The following is an entry in ClinVar:

ClinVar aggregate classification (germline): Uncertain significance. Review status: criteria provided, multiple submitters, no conflicts (2 of 4 stars). 3 submissions from 3 submitters: Uncertain significance (3). Last evaluated 2025-12-29.

Conditions:
Hereditary nonpolyposis colorectal neoplasms. Identifiers: MedGen C0009405, MeSH D003123.
Hereditary cancer-predisposing syndrome. Also called: Tumor predisposition; Hereditary neoplastic syndrome; Neoplastic Syndromes, Hereditary; Hereditary Cancer Syndrome. Identifiers: Orphanet 140162, MedGen C0027672, MeSH D009386, MONDO:0015356.

Submissions (3):

Center for Genomic Medicine, Rigshospitalet, Copenhagen University Hospital
Classification: Uncertain significance. Last evaluated: 2025-12-29. Review status: criteria provided, single submitter. Criteria: ACMG Guidelines, 2015. Collection method: clinical testing. Allele origin: germline.
Comment: Classification criteria: BP4

Ambry Genetics
Classification: Uncertain significance for Hereditary cancer-predisposing syndrome. Last evaluated: 2021-02-01. Review status: criteria provided, single submitter. Criteria: Ambry Variant Classification Scheme 2023. Collection method: clinical testing. Allele origin: germline.
Comment: The p.R1318G variant (also known as c.3952A>G), located in coding exon 9 of the MSH6 gene, results from an A to G substitution at nucleotide position 3952. The arginine at codon 1318 is replaced by glycine, an amino acid with dissimilar properties. This amino acid position is not well conserved in available vertebrate species. In addition, the in silico prediction for this alteration is inconclusive. Since supporting evidence is limited at this time, the clinical significance of this alteration remains unclear.

Labcorp Genetics (formerly Invitae), Labcorp
Classification: Uncertain significance for Hereditary nonpolyposis colorectal neoplasms. Last evaluated: 2019-10-30. Review status: criteria provided, single submitter. Criteria: Invitae Variant Classification Sherloc (09022015). Collection method: clinical testing. Allele origin: germline.
Comment: This sequence change replaces arginine with glycine at codon 1318 of the MSH6 protein (p.Arg1318Gly). The arginine residue is moderately conserved and there is a moderate physicochemical difference between arginine and glycine. This variant is not present in population databases (ExAC no frequency). In summary, the available evidence is currently insufficient to determine the role of this variant in disease. Therefore, it has been classified as a Variant of Uncertain Significance. Algorithms developed to predict the effect of missense changes on protein structure and function are either unavailable or do not agree on the potential impact of this missense change (SIFT: "Deleterious"; PolyPhen-2: "Probably Damaging"; Align-GVGD: "Class C0"). This variant has not been reported in the literature in individuals with MSH6-related conditions.

NM_000179.3(MSH6):c.3952A>G (p.Arg1318Gly)

Gene: MSH6 (mutS homolog 6; plus strand). Cytogenetic location: 2p16.3.
Variant type: single nucleotide variant.
Coding change: c.3952A>G on transcript NM_000179.3 (MANE Select); coding-DNA position 3952, A replaced by G.
Protein change: p.Arg1318Gly; replaces arginine 1318 with glycine.
Molecular consequence: missense variant.
Genome position (GRCh38, 1-based): chr2:47,806,602, A>G. VCF-style: chr2-47806602-A-G. GRCh37 (hg19) VCF-style: chr2-48033741-A-G.
Other names: c.3562A>G, p.Arg1188Gly (NM_001281492.2); c.3046A>G, p.Arg1016Gly (NM_001281493.2, NM_001281494.2); short protein forms R1318G, R1188G, R1016G.
Identifiers: ClinVar variation 845670 (VCV000845670.13), dbSNP rs1572747685, ClinGen allele CA346761525.